The following is an entry in ClinVar:

ClinVar aggregate classification (germline): Uncertain significance. Review status: criteria provided, multiple submitters, no conflicts (2 of 4 stars). 3 submissions from 3 submitters: Uncertain significance (3). Last evaluated 2024-09-05.

Conditions:
Spinocerebellar ataxia type 28 (SCA28). Also called: Spinocerebellar Ataxia Type 28 (SCA28). Identifiers: Orphanet 101109, MedGen C1853249, MONDO:0012450, OMIM 610246.

Allele frequency attached by ClinVar (database versions not stated): gnomAD exomes below 0.00001.
gnomAD v4.1: 1 of 1,444,366 alleles (0.000069%); highest among the groups gnomAD compares: Middle Eastern, 0.024%; no homozygotes.

Submissions (3):

Revvity Omics, Revvity
Classification: Uncertain significance. Last evaluated: 2024-09-05. Review status: criteria provided, single submitter. Criteria: ACMG Guidelines, 2015. Collection method: clinical testing. Allele origin: germline.

Blueprint Genetics
Classification: Uncertain significance. Last evaluated: 2023-04-14. Review status: criteria provided, single submitter. Criteria: ACMG Guidelines, 2015. Collection method: clinical testing. Allele origin: germline.

Baylor Genetics
Classification: Uncertain significance for Spinocerebellar ataxia type 28. Last evaluated: 2020-05-05. Review status: criteria provided, single submitter. Criteria: ACMG Guidelines, 2015. Collection method: clinical testing. Allele origin: unknown. Affected: yes.
Comment: This variant was determined to be of uncertain significance according to ACMG Guidelines, 2015 [PMID:25741868].

NM_006796.3(AFG3L2):c.53G>T (p.Gly18Val)

Gene: AFG3L2 (AFG3 like matrix AAA peptidase subunit 2; minus strand). Cytogenetic location: 18p11.21.
Variant type: single nucleotide variant.
Coding change: c.53G>T on transcript NM_006796.3 (MANE Select); coding-DNA position 53, G replaced by T.
Protein change: p.Gly18Val; replaces glycine 18 with valine.
Molecular consequence: missense variant.
Genome position (GRCh38, 1-based): chr18:12,377,030, C>A on the plus strand (G>T on the coding strand, the complement: AFG3L2 is on the minus strand). VCF-style: chr18-12377030-C-A. GRCh37 (hg19) VCF-style: chr18-12377029-C-A.
Other names: short protein forms G18V.
Identifiers: ClinVar variation 1030158 (VCV001030158.5), dbSNP rs866272063, ClinGen allele CA296726451.